The following is an entry in ClinVar:

NM_000368.5(TSC1):c.139G>T (p.Asp47Tyr)

Gene: TSC1 (TSC complex subunit 1; minus strand). Cytogenetic location: 9q34.13.
Variant type: single nucleotide variant.
Coding change: c.139G>T on transcript NM_000368.5 (MANE Select); coding-DNA position 139, G replaced by T.
Protein change: p.Asp47Tyr; replaces aspartic acid 47 with tyrosine.
Molecular consequence: missense variant. On other transcripts: 5 prime UTR variant (9), non-coding transcript variant (4), intron variant (9).
Genome position (GRCh38, 1-based): chr9:132,927,272, C>A on the plus strand (G>T on the coding strand, the complement: TSC1 is on the minus strand). VCF-style: chr9-132927272-C-A. GRCh37 (hg19) VCF-style: chr9-135802659-C-A.
Other names: c.139G>T, p.Asp47Tyr (NM_001406612.1, NM_001406613.1, NM_001162426.2 and 21 more transcripts); c.-350G>T (NM_001406615.1, NM_001406623.1); c.-317G>T (NM_001406616.1, NM_001406624.1); c.-739G>T (NM_001406626.1, NM_001406627.1, NM_001406628.1); c.-881G>T (NM_001406629.1); c.-955G>T (NM_001406630.1); c.-153-1533G>T (NM_001406620.1, NM_001406618.1); c.-154+1495G>T (NM_001406625.1, NM_001406621.1, NM_001406617.1 and 3 more transcripts); and 1 more; short protein forms D47Y.
Identifiers: ClinVar variation 3720838 (VCV003720838.2).

ClinVar aggregate classification (germline): Uncertain significance (1 of 4 stars; one submission).

Conditions:
Tuberous sclerosis 1 (TSC1). Identifiers: Orphanet 805, MedGen C1854465, MONDO:0008612, OMIM 191100.

Submission:

Labcorp Genetics (formerly Invitae), Labcorp
Classification: Uncertain significance for Tuberous sclerosis 1. Last evaluated: 2024-11-28. Review status: criteria provided, single submitter. Criteria: Invitae Variant Classification Sherloc (09022015). Collection method: clinical testing. Allele origin: germline.
Comment: This sequence change replaces aspartic acid, which is acidic and polar, with tyrosine, which is neutral and polar, at codon 47 of the TSC1 protein (p.Asp47Tyr). This variant is not present in population databases (gnomAD no frequency). This variant has not been reported in the literature in individuals affected with TSC1-related conditions. Invitae Evidence Modeling of protein sequence and biophysical properties (such as structural, functional, and spatial information, amino acid conservation, physicochemical variation, residue mobility, and thermodynamic stability) has been performed for this missense variant. However, the output from this modeling did not meet the statistical confidence thresholds required to predict the impact of this variant on TSC1 protein function. In summary, the available evidence is currently insufficient to determine the role of this variant in disease. Therefore, it has been classified as a Variant of Uncertain Significance.